The following is an entry in ClinVar:

NM_020987.5(ANK3):c.11364CAA[2] (p.Asn3791del)

Gene: ANK3 (ankyrin 3; minus strand). Cytogenetic location: 10q21.2.
Variant type: Microsatellite.
Coding change: c.11364CAA[2] on transcript NM_020987.5 (MANE Select); two copies in a row of the 3-base unit CAA starting at c.11364; the reference has three copies in a row; one copy, 3 bases deleted.
Protein change: p.Asn3791del; deletes asparagine 3791.
Molecular consequence: inframe deletion. On other transcripts: intron variant (4).
Genome position (GRCh38, 1-based): chr10:60,069,509-60,069,511, TTG deleted on the plus strand (CAA on the coding strand, the reverse complement: ANK3 is on the minus strand); deleting any 3 consecutive bases within chr10:60,069,509-60,069,519 gives the same sequence; the position shown is the placement nearest the transcript's 3' end. VCF-style (leftmost placement, unchanged base first): chr10-60069508-ATTG-A. GRCh37 (hg19) VCF-style: chr10-61829266-ATTG-A.
Other names: c.4388-1508CAA[2] (NM_001204403.2); c.4409-1508CAA[2] (NM_001204404.2); c.4406-1508CAA[2] (NM_001320874.2); c.1808-1508CAA[2] (NM_001149.4); short protein forms N3791del.
Identifiers: ClinVar variation 434187 (VCV000434187.11), dbSNP rs768074492, ClinGen allele CA5511103.

ClinVar aggregate classification (germline): Uncertain significance. Review status: criteria provided, multiple submitters, no conflicts (2 of 4 stars). 2 submissions from 2 submitters: Uncertain significance (2). Last evaluated 2024-10-16.

Submissions (2):

Labcorp Genetics (formerly Invitae), Labcorp
Classification: Uncertain significance. Last evaluated: 2024-10-16. Review status: criteria provided, single submitter. Criteria: Invitae Variant Classification Sherloc (09022015). Collection method: clinical testing. Allele origin: germline.
Comment: This variant, c.11370_11372del, results in the deletion of 1 amino acid(s) of the ANK3 protein (p.Asn3791del), but otherwise preserves the integrity of the reading frame. This variant is present in population databases (rs768074492, gnomAD 0.02%). This variant has not been reported in the literature in individuals affected with ANK3-related conditions. In summary, the available evidence is currently insufficient to determine the role of this variant in disease. Therefore, it has been classified as a Variant of Uncertain Significance.

Genetic Services Laboratory, University of Chicago
Classification: Uncertain significance. Last evaluated: 2017-02-14. Review status: criteria provided, single submitter. Criteria: ACMG Guidelines, 2015. Collection method: clinical testing. Allele origin: germline. Affected: no.